The following is an entry in ClinVar:

NM_016507.4(CDK12):c.4291G>A (p.Val1431Ile)

Gene: CDK12 (cyclin dependent kinase 12; plus strand). Cytogenetic location: 17q12.
Variant type: single nucleotide variant.
Coding change: c.4291G>A on transcript NM_016507.4 (MANE Select); coding-DNA position 4291, G replaced by A.
Protein change: p.Val1431Ile; replaces valine 1431 with isoleucine.
Molecular consequence: missense variant.
Genome position (GRCh38, 1-based): chr17:39,531,134, G>A. VCF-style: chr17-39531134-G-A. GRCh37 (hg19) VCF-style: chr17-37687387-G-A.
Other names: c.4264G>A, p.Val1422Ile (NM_015083.4); short protein forms V1422I, V1431I.
Identifiers: ClinVar variation 3489174 (VCV003489174.1).

ClinVar aggregate classification (germline): Uncertain significance (1 of 4 stars; one submission).

gnomAD v4.1: 2 of 1,547,496 alleles (0.00013%); highest among the groups gnomAD compares: African/African-American, 0.0028%; no homozygotes.

Submission:

Ambry Genetics
Classification: Uncertain significance. Last evaluated: 2024-10-05. Review status: criteria provided, single submitter. Criteria: Ambry Variant Classification Scheme 2023. Collection method: clinical testing. Allele origin: germline.
Comment: The p.V1431I variant (also known as c.4291G>A), located in coding exon 14 of the CDK12 gene, results from a G to A substitution at nucleotide position 4291. The valine at codon 1431 is replaced by isoleucine, an amino acid with highly similar properties. This amino acid position is conserved. In addition, this alteration is predicted to be tolerated by in silico analysis. Based on the available evidence, the clinical significance of this variant remains unclear.